The following is an entry in ClinVar:

NM_014000.3(VCL):c.3258+4T>C

Gene: VCL (vinculin; plus strand). Cytogenetic location: 10q22.2.
Variant type: single nucleotide variant.
Coding change: c.3258+4T>C on transcript NM_014000.3 (MANE Select); 4 bases into the intron after coding-DNA position 3258, T replaced by C.
Molecular consequence: intron variant.
Genome position (GRCh38, 1-based): chr10:74,114,903, T>C. VCF-style: chr10-74114903-T-C. GRCh37 (hg19) VCF-style: chr10-75874661-T-C.
Other names: c.3054+4T>C (NM_003373.4).
Identifiers: ClinVar variation 536717 (VCV000536717.3), dbSNP rs1268605937, ClinGen allele CA594391434.

ClinVar aggregate classification (germline): Uncertain significance. Review status: criteria provided, multiple submitters, no conflicts (2 of 4 stars). 2 submissions from 2 submitters: Uncertain significance (2). Last evaluated 2026-08-28.

Conditions:
Dilated cardiomyopathy 1W (CMD1W). Identifiers: Orphanet 154, MedGen C1969639, MONDO:0012667, OMIM 611407.
Cardiovascular phenotype. Identifiers: MedGen CN230736.

Allele frequency attached by ClinVar (database versions not stated): TOPMed below 0.00001; gnomAD exomes 0.00001 and 0.00002.

Submissions (2):

Ambry Genetics
Classification: Uncertain significance for Cardiovascular phenotype. Last evaluated: 2026-08-28. Review status: criteria provided, single submitter. Criteria: Ambry Variant Classification Scheme 2023. Collection method: clinical testing. Allele origin: germline.
Comment: The c.3258+4T>C intronic variant results from a T to C substitution 4 nucleotides after coding exon 21 in the VCL gene. This nucleotide position is poorly conserved in available vertebrate species. In silico splice site analysis predicts that this alteration will not have any significant effect on splicing. Based on the available evidence, the clinical significance of this variant remains unclear.

Labcorp Genetics (formerly Invitae), Labcorp
Classification: Uncertain significance for Dilated cardiomyopathy 1W. Last evaluated: 2019-05-07. Review status: criteria provided, single submitter. Criteria: Invitae Variant Classification Sherloc (09022015). Collection method: clinical testing. Allele origin: germline.
Comment: This sequence change falls in intron 21 of the VCL gene. It does not directly change the encoded amino acid sequence of the VCL protein, but it affects a nucleotide within the consensus splice site of the intron. This variant is not present in population databases (ExAC no frequency). This variant has not been reported in the literature in individuals with VCL-related disease. ClinVar contains an entry for this variant (Variation ID: 536717). Nucleotide substitutions within the consensus splice site are a relatively common cause of aberrant splicing (PMID: 17576681, 9536098). Algorithms developed to predict the effect of sequence changes on RNA splicing suggest that this variant is not likely to affect RNA splicing, but this prediction has not been confirmed by published transcriptional studies. In summary, the available evidence is currently insufficient to determine the role of this variant in disease. Therefore, it has been classified as a Variant of Uncertain Significance.